The following is an entry in ClinVar:

ClinVar aggregate classification (germline): Uncertain significance (0 of 4 stars; one submission).

Submission:

Leiden Open Variation Database
Classification: Uncertain significance. Last evaluated: 2011-02-07. Review status: no assertion criteria provided. Collection method: curation. Allele origin: germline. Affected: yes.
Comment: Curator: Arleen D. Auerbach. Submitter to LOVD: Arleen D. Auerbach.

NM_021922.3(FANCE):c.248+111C>T

Gene: FANCE (FA complementation group E; plus strand). Cytogenetic location: 6p21.31.
Variant type: single nucleotide variant.
Coding change: c.248+111C>T on transcript NM_021922.3 (MANE Select); 111 bases into the intron after coding-DNA position 248, C replaced by T.
Molecular consequence: intron variant.
Genome position (GRCh38, 1-based): chr6:35,452,904, C>T. VCF-style: chr6-35452904-C-T. GRCh37 (hg19) VCF-style: chr6-35420681-C-T.
Identifiers: ClinVar variation 929572 (VCV000929572.1), dbSNP rs11754834, ClinGen allele CA137292536.